The following is an entry in ClinVar:

NM_012210.4(TRIM32):c.625T>C (p.Ser209Pro)

Genes: ASTN2 (astrotactin 2; minus strand), TRIM32 (tripartite motif containing 32; plus strand). Cytogenetic location: 9q33.1.
Variant type: single nucleotide variant.
Coding change: c.625T>C on transcript NM_012210.4 (MANE Select); coding-DNA position 625, T replaced by C.
Protein change: p.Ser209Pro; replaces serine 209 with proline.
Molecular consequence: missense variant. On other transcripts: intron variant (3).
Genome position (GRCh38, 1-based): chr9:116,698,367, T>C. VCF-style: chr9-116698367-T-C. GRCh37 (hg19) VCF-style: chr9-119460646-T-C.
Other names: c.2653+27404A>G (NM_014010.5); c.2794+27404A>G (NM_001365069.1); c.2806+27404A>G (NM_001365068.1); c.625T>C, p.Ser209Pro (NM_001099679.2, NM_001379048.1, NM_001379049.1 and 1 more transcripts); short protein forms S209P.
Identifiers: ClinVar variation 1474415 (VCV001474415.10), dbSNP rs370534929, ClinGen allele CA5211017.

ClinVar aggregate classification (germline): Uncertain significance. Review status: criteria provided, multiple submitters, no conflicts (2 of 4 stars). 3 submissions from 3 submitters: Uncertain significance (3). Last evaluated 2025-12-09.

Conditions:
TRIM32-related disorder. Also called: TRIM32-related condition.
Inborn genetic diseases. Identifiers: MedGen C0950123, MeSH D030342.
Bardet-Biedl syndrome (BBS). Identifiers: Orphanet 110, MedGen C0752166, MONDO:0015229.

Allele frequency attached by ClinVar (database versions not stated): gnomAD exomes below 0.00001; ExAC 0.00001; gnomAD 0.00001; TOPMed 0.00002; ESP Exome Variant Server 0.00008.
gnomAD v4.1: 2 of 1,613,992 alleles (0.00012%); highest among the groups gnomAD compares: African/African-American, 0.0027%; no homozygotes.

Submissions (3):

Ambry Genetics
Classification: Uncertain significance for Inborn genetic diseases. Last evaluated: 2025-12-09. Review status: criteria provided, single submitter. Criteria: Ambry Variant Classification Scheme 2023. Collection method: clinical testing. Allele origin: germline.

PreventionGenetics, part of Exact Sciences
Classification: Uncertain significance for TRIM32-related condition. Last evaluated: 2025-03-31. Review status: criteria provided, single submitter. Criteria: ACMG Guidelines, 2015. Collection method: clinical testing. Allele origin: germline.
Comment: The TRIM32 c.625T>C variant is predicted to result in the amino acid substitution p.Ser209Pro. To our knowledge, this variant has not been reported in the literature. This variant is reported in 0.0062% of alleles in individuals of African descent in gnomAD. At this time, the clinical significance of this variant is uncertain due to the absence of conclusive functional and genetic evidence.

Labcorp Genetics (formerly Invitae), Labcorp
Classification: Uncertain significance for Bardet-Biedl syndrome. Last evaluated: 2021-05-31. Review status: criteria provided, single submitter. Criteria: Invitae Variant Classification Sherloc (09022015). Collection method: clinical testing. Allele origin: germline.
Comment: In summary, the available evidence is currently insufficient to determine the role of this variant in disease. Therefore, it has been classified as a Variant of Uncertain Significance. Algorithms developed to predict the effect of missense changes on protein structure and function (SIFT, PolyPhen-2, Align-GVGD) all suggest that this variant is likely to be disruptive, but these predictions have not been confirmed by published functional studies and their clinical significance is uncertain. This variant has not been reported in the literature in individuals with TRIM32-related conditions. This variant is present in population databases (rs370534929, ExAC 0.01%). This sequence change replaces serine with proline at codon 209 of the TRIM32 protein (p.Ser209Pro). The serine residue is highly conserved and there is a moderate physicochemical difference between serine and proline.